The following is an entry in ClinVar:

GRCh37/hg19 Xp22.33(chrX:395647-1506597)x1

Variant type: copy number loss.
Change: copy number 1 of chrX:395,647-1,506,597 (1.11 Mb, GRCh37 coordinates, 1-based), cytogenetic band Xp22.33.
Identifiers: ClinVar variation 4683028 (VCV004683028.1).

ClinVar aggregate classification (germline): Pathogenic (1 of 4 stars; one submission).

Submission:

Quest Diagnostics Nichols Institute San Juan Capistrano
Classification: Pathogenic. Last evaluated: 2025-04-07. Review status: criteria provided, single submitter. Criteria: ACMG/ClinGen CNV Guidelines, 2019. Collection method: clinical testing. Allele origin: unknown.
Comment: This deletion involves at least five protein-coding genes, including SHOX (OMIM 312865), CSF2RA (OMIM 306250), and multiple exons (NM_001636.4) of the 3' portion of SLC25A6 (OMIM 300151). The phenotypic spectrum caused by haploinsufficiency of the SHOX gene ranges from Leri-Weill dyschondrosteosis (LWD; OMIM 127300) at the severe end of the spectrum to idiopathic familial short stature (OMIM 300582) at the mild end of the spectrum. Phenotypic presentation is highly variable, even within the same family (Binder 2024) and can become more pronounced with age and being more severe in females. Thus, based on gene content and current medical literature, this copy number variant is classified as pathogenic. References: Binder, et al., GeneReviews [2024 May 23]. PMID: 20301394